The following is an entry in ClinVar:

ClinVar aggregate classification (germline): Likely pathogenic (1 of 4 stars; one submission).

Conditions:
Glycogen storage disease type III (GSD3). Also called: Cori disease; FORBES DISEASE. Identifiers: Orphanet 366, MedGen C0017922, MONDO:0009291, OMIM 232400.

Allele frequency attached by ClinVar (database versions not stated): gnomAD exomes below 0.00001; ExAC 0.00001.
gnomAD v4.1: 1 of 1,613,934 alleles (0.000062%); highest among the groups gnomAD compares: Non-Finnish European, 0.000085%; no homozygotes.

Submission:

Myriad Genetics, Inc.
Classification: Likely pathogenic for Glycogen storage disease type III. Last evaluated: 2019-02-28. Review status: criteria provided, single submitter. Criteria: Myriad Women's Health Autosomal Recessive and X-Linked Classification Criteria (2019). Collection method: clinical testing. Allele origin: unknown.
Comment: NM_000642.2(AGL):c.681G>A(W227*) is expected to be pathogenic in the context of glycogen storage disease type III. This variant is predicted to lead to an abnormal or absent protein product due to the creation of a premature termination codon in AGL, a gene where loss-of-function variants are known to be pathogenic. Please note: this variant was assessed in the context of healthy population screening.

NM_000642.3(AGL):c.681G>A (p.Trp227Ter)

Gene: AGL (amylo-alpha-1,6-glucosidase and 4-alpha-glucanotransferase; plus strand). Cytogenetic location: 1p21.2.
Variant type: single nucleotide variant.
Coding change: c.681G>A on transcript NM_000642.3 (MANE Select); coding-DNA position 681, G replaced by A.
Protein change: p.Trp227Ter; replaces tryptophan 227 with a stop codon.
Molecular consequence: nonsense.
Genome position (GRCh38, 1-based): chr1:99,870,416, G>A. VCF-style: chr1-99870416-G-A. GRCh37 (hg19) VCF-style: chr1-100335972-G-A.
Other names: c.681G>A, p.Trp227Ter (NM_001425326.1, NM_001425327.1, NM_000028.3 and 3 more transcripts); c.477G>A, p.Trp159Ter (NM_001425328.1, NM_001425329.1); c.633G>A, p.Trp211Ter (NM_000646.3); c.303G>A, p.Trp101Ter (NM_001425332.1); short protein forms W211*, W227*, W101*, W159*.
Identifiers: ClinVar variation 983787 (VCV000983787.3), dbSNP rs753914653, ClinGen allele CA966249.